The following is an entry in ClinVar:

NM_004364.5(CEBPA):c.223G>A (p.Asp75Asn)

Gene: CEBPA (CCAAT enhancer binding protein alpha; minus strand). Cytogenetic location: 19q13.11.
Variant type: single nucleotide variant.
Coding change: c.223G>A on transcript NM_004364.5 (MANE Select); coding-DNA position 223, G replaced by A.
Protein change: p.Asp75Asn; replaces aspartic acid 75 with asparagine.
Molecular consequence: missense variant. On other transcripts: 5 prime UTR variant (1).
Genome position (GRCh38, 1-based): chr19:33,302,192, C>T on the plus strand (G>A on the coding strand, the complement: CEBPA is on the minus strand). VCF-style: chr19-33302192-C-T. GRCh37 (hg19) VCF-style: chr19-33793098-C-T.
Other names: c.-135G>A (NM_001285829.2); c.328G>A, p.Asp110Asn (NM_001287424.2); c.181G>A, p.Asp61Asn (NM_001287435.2); c.223G>A (NM_004364.3); short protein forms D61N, D110N, D75N.
Identifiers: ClinVar variation 1443378 (VCV001443378.7), dbSNP rs2145263642, ClinGen allele CA405275412.
Genomic context (GRCh38, chr19:33,302,192, plus strand): 5'-CGGCCGCCTTGGCCTTCTCCTGCTGCCGGCTGTGCTGGAACAGGTCGGCCAGGAACTCGT[C>T]GTTGAAGGCGGCCGGGTCGATGTAGGCGCTGATGTCGATGGACGTCTCGTGCTCGCAGAT-3'
Protein context (NP_004355.2, residues 65-85): SAYIDPAAFN[Asp75Asn]EFLADLFQHS

ClinVar aggregate classification (germline): Conflicting classifications of pathogenicity. Review status: criteria provided, conflicting classifications (1 of 4 stars). 2 submissions from 2 submitters: Uncertain significance (1); Likely benign (1). Last evaluated 2026-03-31.

Conditions:
Inborn genetic diseases. Identifiers: MedGen C0950123, MeSH D030342.
Acute myeloid leukemia (AML). Also called: Leukemia, acute myeloid, somatic; Leukemia, acute myelogenous, somatic; Acute myeloid leukemia, adult; AML adult; Acute non-lymphocytic leukemia; Acute granulocytic leukemia. Identifiers: Orphanet 519, MedGen C0023467, MeSH D015470, MONDO:0018874, OMIM 601626, HP:0004808. Disease mechanism: Constitutively activated FLT3.

Submissions (2):

Ambry Genetics
Classification: Likely benign for Inborn genetic diseases. Last evaluated: 2026-03-31. Review status: criteria provided, single submitter. Criteria: Ambry Variant Classification Scheme 2023. Collection method: clinical testing. Allele origin: germline.

Labcorp Genetics (formerly Invitae), Labcorp
Classification: Uncertain significance for Acute myeloid leukemia. Last evaluated: 2021-08-16. Review status: criteria provided, single submitter. Criteria: Invitae Variant Classification Sherloc (09022015). Collection method: clinical testing. Allele origin: germline.
Comment: This sequence change replaces aspartic acid with asparagine at codon 75 of the CEBPA protein (p.Asp75Asn). The aspartic acid residue is moderately conserved and there is a small physicochemical difference between aspartic acid and asparagine. The frequency data for this variant in the population databases is considered unreliable, as metrics indicate insufficient coverage at this position in the ExAC database. This variant has not been reported in the literature in individuals affected with CEBPA-related conditions. Algorithms developed to predict the effect of missense changes on protein structure and function are either unavailable or do not agree on the potential impact of this missense change (SIFT: "Tolerated"; PolyPhen-2: "Probably Damaging"; Align-GVGD: "Class C0"). In summary, the available evidence is currently insufficient to determine the role of this variant in disease. Therefore, it has been classified as a Variant of Uncertain Significance.